The following is an entry in ClinVar:

NM_001111.5(ADAR):c.1756C>T (p.His586Tyr)

Gene: ADAR (adenosine deaminase RNA specific; minus strand). Cytogenetic location: 1q21.3.
Variant type: single nucleotide variant.
Coding change: c.1756C>T on transcript NM_001111.5 (MANE Select); coding-DNA position 1756, C replaced by T.
Protein change: p.His586Tyr; replaces histidine 586 with tyrosine.
Molecular consequence: missense variant.
Genome position (GRCh38, 1-based): chr1:154,598,431, G>A on the plus strand (C>T on the coding strand, the complement: ADAR is on the minus strand). VCF-style: chr1-154598431-G-A. GRCh37 (hg19) VCF-style: chr1-154570907-G-A.
Other names: c.871C>T, p.His291Tyr (NM_001025107.3, NM_001193495.2, NM_001365046.1 and 3 more transcripts); c.1783C>T, p.His595Tyr (NM_001365045.1); c.1756C>T, p.His586Tyr (NM_015840.4, NM_015841.4); short protein forms H291Y, H586Y, H595Y.
Identifiers: ClinVar variation 3899682 (VCV003899682.1).

ClinVar aggregate classification (germline): Uncertain significance (1 of 4 stars; one submission).

Submission:

GeneDx
Classification: Uncertain significance. Last evaluated: 2024-11-18. Review status: criteria provided, single submitter. Criteria: GeneDx Variant Classification Process June 2021. Collection method: clinical testing. Allele origin: germline. Affected: yes.
Comment: Not observed at significant frequency in large population cohorts (gnomAD); In silico analysis indicates that this missense variant does not alter protein structure/function; Has not been previously published as pathogenic or benign to our knowledge